The following is an entry in ClinVar:

NM_006230.4(POLD2):c.862-3C>T

Gene: POLD2 (DNA polymerase delta 2, accessory subunit; minus strand). Cytogenetic location: 7p13.
Variant type: single nucleotide variant.
Coding change: c.862-3C>T on transcript NM_006230.4 (MANE Select); 3 bases into the intron before coding-DNA position 862, C replaced by T.
Molecular consequence: intron variant.
Genome position (GRCh38, 1-based): chr7:44,116,275, G>A on the plus strand (C>T on the coding strand, the complement: POLD2 is on the minus strand). VCF-style: chr7-44116275-G-A. GRCh37 (hg19) VCF-style: chr7-44155874-G-A.
Other names: c.862-3C>T (NM_001127218.3, NM_001256879.2).
Identifiers: ClinVar variation 2788394 (VCV002788394.3), dbSNP rs2484381908, ClinGen allele CA2739266412.

ClinVar aggregate classification (germline): Uncertain significance (1 of 4 stars; one submission).

Submission:

Labcorp Genetics (formerly Invitae), Labcorp
Classification: Uncertain significance. Last evaluated: 2023-05-05. Review status: criteria provided, single submitter. Criteria: Invitae Variant Classification Sherloc (09022015). Collection method: clinical testing. Allele origin: germline.
Comment: In summary, the available evidence is currently insufficient to determine the role of this variant in disease. Therefore, it has been classified as a Variant of Uncertain Significance. Variants that disrupt the consensus splice site are a relatively common cause of aberrant splicing (PMID: 17576681, 9536098). Algorithms developed to predict the effect of sequence changes on RNA splicing suggest that this variant is not likely to affect RNA splicing. This variant has not been reported in the literature in individuals affected with POLD2-related conditions. This variant is not present in population databases (gnomAD no frequency). This sequence change falls in intron 7 of the POLD2 gene. It does not directly change the encoded amino acid sequence of the POLD2 protein. It affects a nucleotide within the consensus splice site.

Literature cited by the submitters: PubMed 17576681; PubMed 9536098.